The following is an entry in ClinVar:

ClinVar aggregate classification (germline): Uncertain significance. Review status: criteria provided, multiple submitters, no conflicts (2 of 4 stars). 2 submissions from 2 submitters: Uncertain significance (2). Last evaluated 2023-10-03.

Allele frequency attached by ClinVar (database versions not stated): ExAC 0.00002; gnomAD 0.00003.
gnomAD v4.1: 25 of 1,614,074 alleles (0.0015%); highest among the groups gnomAD compares: African/African-American, 0.0093%; 1 homozygote.

Submissions (2):

Labcorp Genetics (formerly Invitae), Labcorp
Classification: Uncertain significance. Last evaluated: 2023-10-03. Review status: criteria provided, single submitter. Criteria: Invitae Variant Classification Sherloc (09022015). Collection method: clinical testing. Allele origin: germline.
Comment: This sequence change replaces arginine, which is basic and polar, with histidine, which is basic and polar, at codon 1578 of the LRP2 protein (p.Arg1578His). This variant is present in population databases (rs111733491, gnomAD 0.01%). This variant has not been reported in the literature in individuals affected with LRP2-related conditions. ClinVar contains an entry for this variant (Variation ID: 1903808). Advanced modeling of protein sequence and biophysical properties (such as structural, functional, and spatial information, amino acid conservation, physicochemical variation, residue mobility, and thermodynamic stability) performed at Invitae indicates that this missense variant is not expected to disrupt LRP2 protein function. In summary, the available evidence is currently insufficient to determine the role of this variant in disease. Therefore, it has been classified as a Variant of Uncertain Significance.

Women's Health and Genetics/Laboratory Corporation of America, LabCorp
Classification: Uncertain significance. Last evaluated: 2023-05-10. Review status: criteria provided, single submitter. Criteria: LabCorp Variant Classification Summary - May 2015. Collection method: clinical testing. Allele origin: germline.
Comment: Variant summary: LRP2 c.4733G>A (p.Arg1578His) results in a non-conservative amino acid change in the encoded protein sequence. Five of five in-silico tools predict a damaging effect of the variant on protein function. The variant allele was found at a frequency of 3.6e-05 in 251042 control chromosomes (gnomAD). The available data on variant occurrences in the general population are insufficient to allow any conclusion about variant significance. c.4733G>A has been reported in the literature in one individual affected with myelomeningocele (Au_2021). The report does not provide unequivocal conclusions about association of the variant with Donnai Barrow Syndrome. To our knowledge, no experimental evidence demonstrating an impact on protein function has been reported. The following publication have been ascertained in the context of this evaluation (PMID: 33574475). ClinVar submitter (evaluation after 2014) cites this variant as uncertain significance. Based on the evidence outlined above, the variant was classified as uncertain significance.

Literature cited by the submitters: PubMed 33574475 (cited by Women's Health and Genetics/Laboratory Corporation of America, LabCorp).

NM_004525.3(LRP2):c.4733G>A (p.Arg1578His)

Gene: LRP2 (LDL receptor related protein 2; minus strand). Cytogenetic location: 2q31.1.
Variant type: single nucleotide variant.
Coding change: c.4733G>A on transcript NM_004525.3 (MANE Select); coding-DNA position 4733, G replaced by A.
Protein change: p.Arg1578His; replaces arginine 1578 with histidine.
Molecular consequence: missense variant.
Genome position (GRCh38, 1-based): chr2:169,236,027, C>T on the plus strand (G>A on the coding strand, the complement: LRP2 is on the minus strand). VCF-style: chr2-169236027-C-T. GRCh37 (hg19) VCF-style: chr2-170092537-C-T.
Other names: c.4733G>A (NM_004525.2); short protein forms R1578H.
Identifiers: ClinVar variation 1903808 (VCV001903808.6), dbSNP rs111733491, ClinGen allele CA1954720.